The following is an entry in ClinVar:

ClinVar aggregate classification (germline): Benign (0 of 4 stars; one submission).

Conditions:
ALPK2-related disorder. Also called: ALPK2-related condition.

Allele frequency attached by ClinVar (database versions not stated): ESP Exome Variant Server 0.02245; gnomAD 0.03200; TOPMed 0.03994; ExAC 0.04992; 1000 Genomes Project 30x 0.05887; 1000 Genomes Project 0.06030.
gnomAD v4.1: 52,906 of 1,614,184 alleles (3.3%); highest among the groups gnomAD compares: Admixed American, 14%; 1,755 homozygotes.

Submission:

PreventionGenetics, part of Exact Sciences
Classification: Benign for ALPK2-related condition. Last evaluated: 2019-12-06. Review status: no assertion criteria provided. Collection method: clinical testing. Allele origin: germline.
Comment: This variant is classified as benign based on ACMG/AMP sequence variant interpretation guidelines (Richards et al. 2015 PMID: 25741868, with internal and published modifications).

NM_052947.4(ALPK2):c.2930G>C (p.Ser977Thr)

Gene: ALPK2 (alpha kinase 2; minus strand). Cytogenetic location: 18q21.31.
Variant type: single nucleotide variant.
Coding change: c.2930G>C on transcript NM_052947.4 (MANE Select); coding-DNA position 2930, G replaced by C.
Protein change: p.Ser977Thr; replaces serine 977 with threonine.
Molecular consequence: missense variant.
Genome position (GRCh38, 1-based): chr18:58,537,257, C>G on the plus strand (G>C on the coding strand, the complement: ALPK2 is on the minus strand). VCF-style: chr18-58537257-C-G. GRCh37 (hg19) VCF-style: chr18-56204489-C-G.
Other names: short protein forms S977T.
Identifiers: ClinVar variation 3060852 (VCV003060852.2), dbSNP rs3809975, ClinGen allele CA8976988.